The following is an entry in ClinVar:

ClinVar aggregate classification (germline): Conflicting classifications of pathogenicity. Review status: criteria provided, conflicting classifications (1 of 4 stars). 3 submissions from 3 submitters: Uncertain significance (2); Likely benign (1). Last evaluated 2022-10-17.

Conditions:
Inborn genetic diseases. Identifiers: MedGen C0950123, MeSH D030342.
Developmental and epileptic encephalopathy, 36 (DEE36). Also called: Congenital disorder of glycosylation, type Is; Epileptic encephalopathy, early infantile, 36; ALG13-CDG. Identifiers: Orphanet 324422, MedGen C4317295, MONDO:0010472, OMIM 300884.

Allele frequency attached by ClinVar (database versions not stated): TOPMed 0.00009.
gnomAD v4.1: 7 of 1,209,548 alleles (0.00058%); highest among the groups gnomAD compares: African/African-American, 0.0088%; no homozygotes.

Submissions (3):

Labcorp Genetics (formerly Invitae), Labcorp
Classification: Uncertain significance for Developmental and epileptic encephalopathy, 36. Last evaluated: 2022-10-17. Review status: criteria provided, single submitter. Criteria: Invitae Variant Classification Sherloc (09022015). Collection method: clinical testing. Allele origin: germline.
Comment: This sequence change replaces leucine, which is neutral and non-polar, with valine, which is neutral and non-polar, at codon 611 of the ALG13 protein (p.Leu611Val). This variant is present in population databases (rs199505558, gnomAD 0.03%), including at least one homozygous and/or hemizygous individual. This variant has not been reported in the literature in individuals affected with ALG13-related conditions. ClinVar contains an entry for this variant (Variation ID: 389963). Advanced modeling of protein sequence and biophysical properties (such as structural, functional, and spatial information, amino acid conservation, physicochemical variation, residue mobility, and thermodynamic stability) performed at Invitae indicates that this missense variant is not expected to disrupt ALG13 protein function. In summary, the available evidence is currently insufficient to determine the role of this variant in disease. Therefore, it has been classified as a Variant of Uncertain Significance.

Ambry Genetics
Classification: Uncertain significance for Inborn genetic diseases. Last evaluated: 2016-11-11. Review status: criteria provided, single submitter. Criteria: Ambry Variant Classification Scheme 2023. Collection method: clinical testing. Allele origin: germline.
Comment: The p.L611V variant (also known as c.1831C>G), located in coding exon 16 of the ALG13 gene, results from a C to G substitution at nucleotide position 1831. The leucine at codon 611 is replaced by valine, an amino acid with highly similar properties. This variant was not reported in population based cohorts in the following databases: Database of Single Nucleotide Polymorphisms (dbSNP), NHLBI Exome Sequencing Project (ESP), and 1000 Genomes Project. In the ESP, this variant was not observed in 5150 samples with coverage at this position. This amino acid position is not well conserved in available vertebrate species. In addition, this alteration is predicted to be tolerated by in silico analysis. Since supporting evidence is limited at this time, the clinical significance of this variant remains unclear.

GeneDx
Classification: Likely benign. Last evaluated: 2016-10-17. Review status: criteria provided, single submitter. Criteria: GeneDx Variant Classification (06012015). Collection method: clinical testing. Allele origin: germline. Affected: yes.
Comment: This variant is considered likely benign or benign based on one or more of the following criteria: it is a conservative change, it occurs at a poorly conserved position in the protein, it is predicted to be benign by multiple in silico algorithms, and/or has population frequency not consistent with disease.

NM_001099922.3(ALG13):c.1831C>G (p.Leu611Val)

Gene: ALG13 (ALG13 UDP-N-acetylglucosaminyltransferase subunit; plus strand). Cytogenetic location: Xq23.
Variant type: single nucleotide variant.
Coding change: c.1831C>G on transcript NM_001099922.3 (MANE Select); coding-DNA position 1831, C replaced by G.
Protein change: p.Leu611Val; replaces leucine 611 with valine.
Molecular consequence: missense variant. On other transcripts: non-coding transcript variant (1).
Genome position (GRCh38, 1-based): chrX:111,726,910, C>G. VCF-style: chrX-111726910-C-G. GRCh37 (hg19) VCF-style: chrX-110970138-C-G.
Other names: c.1519C>G, p.Leu507Val (NM_001257230.2, NM_001257234.2, NM_001257237.2); c.1597C>G, p.Leu533Val (NM_001257231.2); c.1831C>G, p.Leu611Val (NM_001324292.2); c.1345C>G, p.Leu449Val (NM_001324293.1); short protein forms L611V, L449V, L507V, L533V.
Identifiers: ClinVar variation 389963 (VCV000389963.9), dbSNP rs199505558, ClinGen allele CA10493773.